The following is an entry in ClinVar:

ClinVar aggregate classification (germline): Uncertain significance. Review status: criteria provided, multiple submitters, no conflicts (2 of 4 stars). 2 submissions from 2 submitters: Uncertain significance (2). Last evaluated 2024-07-09.

Allele frequency attached by ClinVar (database versions not stated): gnomAD 0.00004; TOPMed 0.00004; ExAC 0.00007.
gnomAD v4.1: 44 of 1,609,514 alleles (0.0027%); highest among the groups gnomAD compares: African/African-American, 0.011%; no homozygotes.

Submissions (2):

Labcorp Genetics (formerly Invitae), Labcorp
Classification: Uncertain significance. Last evaluated: 2024-07-09. Review status: criteria provided, single submitter. Criteria: Invitae Variant Classification Sherloc (09022015). Collection method: clinical testing. Allele origin: germline.
Comment: This sequence change replaces arginine, which is basic and polar, with glutamine, which is neutral and polar, at codon 118 of the POLR3F protein (p.Arg118Gln). This variant is present in population databases (rs756154141, gnomAD 0.02%). This variant has not been reported in the literature in individuals affected with POLR3F-related conditions. ClinVar contains an entry for this variant (Variation ID: 2296908). Experimental studies and prediction algorithms are not available or were not evaluated, and the functional significance of this variant is currently unknown. In summary, the available evidence is currently insufficient to determine the role of this variant in disease. Therefore, it has been classified as a Variant of Uncertain Significance.

Ambry Genetics
Classification: Uncertain significance. Last evaluated: 2022-06-24. Review status: criteria provided, single submitter. Criteria: Ambry Variant Classification Scheme 2023. Collection method: clinical testing. Allele origin: germline.

NM_006466.4(POLR3F):c.476G>A (p.Arg159Gln)

Gene: POLR3F (RNA polymerase III subunit F; plus strand). Cytogenetic location: 20p11.23.
Variant type: single nucleotide variant.
Coding change: c.476G>A on transcript NM_006466.4 (MANE Select); coding-DNA position 476, G replaced by A.
Protein change: p.Arg159Gln; replaces arginine 159 with glutamine.
Molecular consequence: missense variant. On other transcripts: non-coding transcript variant (1).
Genome position (GRCh38, 1-based): chr20:18,480,084, G>A. VCF-style: chr20-18480084-G-A. GRCh37 (hg19) VCF-style: chr20-18460728-G-A.
Other names: c.353G>A, p.Arg118Gln (NM_001282526.2); short protein forms R118Q, R159Q.
Identifiers: ClinVar variation 2296908 (VCV002296908.4), dbSNP rs756154141, ClinGen allele CA9777533.